The following is an entry in ClinVar:

ClinVar aggregate classification (germline): Uncertain significance (1 of 4 stars; one submission).

Conditions:
Adams-Oliver syndrome 5 (AOS5). Identifiers: Orphanet 974, MedGen C4014970, MONDO:0014459, OMIM 616028.

Submission:

Labcorp Genetics (formerly Invitae), Labcorp
Classification: Uncertain significance for Adams-Oliver syndrome 5. Last evaluated: 2025-10-02. Review status: criteria provided, single submitter. Criteria: Invitae Variant Classification Sherloc (09022015). Collection method: clinical testing. Allele origin: germline.
Comment: This sequence change replaces serine, which is neutral and polar, with asparagine, which is neutral and polar, at codon 2407 of the NOTCH1 protein (p.Ser2407Asn). This variant is not present in population databases (gnomAD no frequency). This variant has not been reported in the literature in individuals affected with NOTCH1-related conditions. ClinVar contains an entry for this variant (Variation ID: 3645606). Invitae Evidence Modeling of protein sequence and biophysical properties (such as structural, functional, and spatial information, amino acid conservation, physicochemical variation, residue mobility, and thermodynamic stability) indicates that this missense variant is not expected to disrupt NOTCH1 protein function with a negative predictive value of 80%. In summary, the available evidence is currently insufficient to determine the role of this variant in disease. Therefore, it has been classified as a Variant of Uncertain Significance.

NM_017617.5(NOTCH1):c.7220G>A (p.Ser2407Asn)

Gene: NOTCH1 (notch receptor 1; minus strand). Cytogenetic location: 9q34.3.
Variant type: single nucleotide variant.
Coding change: c.7220G>A on transcript NM_017617.5 (MANE Select); coding-DNA position 7220, G replaced by A.
Protein change: p.Ser2407Asn; replaces serine 2407 with asparagine.
Molecular consequence: missense variant.
Genome position (GRCh38, 1-based): chr9:136,496,519, C>T on the plus strand (G>A on the coding strand, the complement: NOTCH1 is on the minus strand). VCF-style: chr9-136496519-C-T. GRCh37 (hg19) VCF-style: chr9-139390971-C-T.
Other names: short protein forms S2407N.
Identifiers: ClinVar variation 3645606 (VCV003645606.2).